The following is an entry in ClinVar:

NM_173477.5(USH1G):c.26C>T (p.Ala9Val)

Gene: USH1G (USH1 protein network component sans; minus strand). Cytogenetic location: 17q25.1.
Variant type: single nucleotide variant.
Coding change: c.26C>T on transcript NM_173477.5 (MANE Select); coding-DNA position 26, C replaced by T.
Protein change: p.Ala9Val; replaces alanine 9 with valine.
Molecular consequence: missense variant. On other transcripts: 5 prime UTR variant (1).
Genome position (GRCh38, 1-based): chr17:74,923,048, G>A on the plus strand (C>T on the coding strand, the complement: USH1G is on the minus strand). VCF-style: chr17-74923048-G-A. GRCh37 (hg19) VCF-style: chr17-72919143-G-A.
Other names: c.-231C>T (NM_001282489.3); short protein forms A9V.
Identifiers: ClinVar variation 1008908 (VCV001008908.7), dbSNP rs1322425552, ClinGen allele CA400968599.

ClinVar aggregate classification (germline): Uncertain significance (1 of 4 stars; one submission).

Allele frequency attached by ClinVar (database versions not stated): gnomAD exomes below 0.00001; TOPMed below 0.00001.
gnomAD v4.1: 1 of 1,587,644 alleles (0.000063%); highest among the groups gnomAD compares: Non-Finnish European, 0.000086%; no homozygotes.

Submission:

Labcorp Genetics (formerly Invitae), Labcorp
Classification: Uncertain significance. Last evaluated: 2023-07-07. Review status: criteria provided, single submitter. Criteria: Invitae Variant Classification Sherloc (09022015). Collection method: clinical testing. Allele origin: germline.
Comment: This sequence change replaces alanine, which is neutral and non-polar, with valine, which is neutral and non-polar, at codon 9 of the USH1G protein (p.Ala9Val). This variant is not present in population databases (gnomAD no frequency). This variant has not been reported in the literature in individuals affected with USH1G-related conditions. ClinVar contains an entry for this variant (Variation ID: 1008908). Advanced modeling of protein sequence and biophysical properties (such as structural, functional, and spatial information, amino acid conservation, physicochemical variation, residue mobility, and thermodynamic stability) performed at Invitae indicates that this missense variant is expected to disrupt USH1G protein function. In summary, the available evidence is currently insufficient to determine the role of this variant in disease. Therefore, it has been classified as a Variant of Uncertain Significance.